The following is an entry in ClinVar:

ClinVar aggregate classification (germline): Uncertain significance (1 of 4 stars; one submission).

Conditions:
Epidermolysis bullosa simplex 5C, with pyloric atresia (EBS5C). Also called: PLEC-Related Epidermolysis Bullosa with Pyloric Atresia; Epidermolysis bullosa simplex with pyloric atresia; PLEC1-Related Epidermolysis Bullosa with Pyloric Atresia. Identifiers: Orphanet 158684, MedGen C2677349, MONDO:0012807, OMIM 612138.
Epidermolysis bullosa simplex 5B, with muscular dystrophy (EBS5B). Also called: Epidermolysis bullosa simplex with muscular dystrophy; EPIDERMOLYSIS BULLOSA SIMPLEX AND LIMB-GIRDLE MUSCULAR DYSTROPHY. Identifiers: Orphanet 257, MedGen C2931072, MONDO:0009181, OMIM 226670.
Epidermolysis bullosa simplex, Ogna type (EBS5A). Also called: Pidermolysis bullosa simplex 5A, Ogna type; EPIDERMOLYSIS BULLOSA SIMPLEX 5A, OGNA TYPE. Identifiers: Orphanet 79401, MedGen C0432317, MONDO:0007555, OMIM 131950.
Autosomal recessive limb-girdle muscular dystrophy type 2Q (LGMDR17). Also called: MUSCULAR DYSTROPHY, LIMB-GIRDLE, AUTOSOMAL RECESSIVE 17. Identifiers: Orphanet 254361, MedGen C3150989, MONDO:0013390, OMIM 613723.
Epidermolysis bullosa simplex with nail dystrophy (EBS5D). Identifiers: MedGen C4225309, MONDO:0014661, OMIM 616487.

Allele frequency attached by ClinVar (database versions not stated): gnomAD 0.00001; TOPMed 0.00002; ExAC 0.00003.
gnomAD v4.1: 25 of 1,596,094 alleles (0.0016%); highest among the groups gnomAD compares: Middle Eastern, 0.033%; no homozygotes.

Submission:

Labcorp Genetics (formerly Invitae), Labcorp
Classification: Uncertain significance for Autosomal recessive limb-girdle muscular dystrophy type 2Q; Epidermolysis bullosa simplex, Ogna type; Epidermolysis bullosa simplex with nail dystrophy; Epidermolysis bullosa simplex 5C, with pyloric atresia; Epidermolysis bullosa simplex 5B, with muscular dystrophy. Last evaluated: 2025-12-24. Review status: criteria provided, single submitter. Criteria: Invitae Variant Classification Sherloc (09022015). Collection method: clinical testing. Allele origin: germline.
Comment: This sequence change replaces arginine, which is basic and polar, with histidine, which is basic and polar, at codon 1506 of the PLEC protein (p.Arg1506His). This variant is present in population databases (rs782154733, gnomAD 0.02%). This variant has not been reported in the literature in individuals affected with PLEC-related conditions. ClinVar contains an entry for this variant (Variation ID: 952142). Invitae Evidence Modeling of protein sequence and biophysical properties (such as structural, functional, and spatial information, amino acid conservation, physicochemical variation, residue mobility, and thermodynamic stability) has been performed for this missense variant. However, the output from this modeling did not meet the statistical confidence thresholds required to predict the impact of this variant on PLEC protein function. In summary, the available evidence is currently insufficient to determine the role of this variant in disease. Therefore, it has been classified as a Variant of Uncertain Significance.

NM_201384.3(PLEC):c.4436G>A (p.Arg1479His)

Gene: PLEC (plectin; minus strand). Cytogenetic location: 8q24.3.
Variant type: single nucleotide variant.
Coding change: c.4436G>A on transcript NM_201384.3 (MANE Select); coding-DNA position 4436, G replaced by A.
Protein change: p.Arg1479His; replaces arginine 1479 with histidine.
Molecular consequence: missense variant.
Genome position (GRCh38, 1-based): chr8:143,925,493, C>T on the plus strand (G>A on the coding strand, the complement: PLEC is on the minus strand). VCF-style: chr8-143925493-C-T. GRCh37 (hg19) VCF-style: chr8-144999661-C-T.
Other names: c.4517G>A, p.Arg1506His (NM_000445.5); c.4394G>A, p.Arg1465His (NM_201378.4); c.4370G>A, p.Arg1457His (NM_201379.3); c.4847G>A, p.Arg1616His (NM_201380.4); c.4340G>A, p.Arg1447His (NM_201381.3); c.4436G>A, p.Arg1479His (NM_201382.4); c.4448G>A, p.Arg1483His (NM_201383.3); short protein forms R1447H, R1479H, R1457H, R1483H, R1465H, R1506H, R1616H.
Identifiers: ClinVar variation 952142 (VCV000952142.7), dbSNP rs782154733, ClinGen allele CA4926660.
Genomic context (GRCh38, chr8:143,925,493, plus strand): 5'-AAGCGCTCGGCCTCCTCCTGCGCCTGTCGCTTTTGTGCCTCAGCCTCCTCCGCCCGTGCA[C>T]GCAGTGCCTGCAGCTCCCCCTCAGCCCCGCCACGCTGGCGCTCGGTGGCCTCCAACTGCA-3'
Protein context (NP_958786.1, residues 1469-1489): GGAEGELQAL[Arg1479His]ARAEEAEAQK